The following is an entry in ClinVar:

ClinVar aggregate classification (germline): Uncertain significance. Review status: criteria provided, multiple submitters, no conflicts (2 of 4 stars). 8 submissions from 8 submitters: Uncertain significance (6). 2 of the submissions do not count toward it. Last evaluated 2025-05-01.

Conditions:
Usher syndrome type 1 (USH1). Also called: RETINITIS PIGMENTOSA AND CONGENITAL DEAFNESS. Identifiers: Orphanet 231169, Orphanet 886, MedGen C1568247, MONDO:0010168, OMIM 276900.
Autosomal recessive nonsyndromic hearing loss 23. Identifiers: Orphanet 90636, MedGen C1836027, MONDO:0012293, OMIM 609533.
Usher syndrome type 1D (USH1D). Also called: USHER SYNDROME, TYPE ID. Identifiers: Orphanet 231169, Orphanet 886, MedGen C1832845, MONDO:0010984, OMIM 601067.
Usher syndrome type 1F (USH1F). Also called: USHER SYNDROME, TYPE IF. Identifiers: Orphanet 231169, Orphanet 886, MedGen C1865885, MONDO:0011186, OMIM 602083.
Retinitis pigmentosa (RP). Identifiers: Orphanet 791, MedGen C0035334, MeSH D012174, MONDO:0019200, OMIM 268000. Inheritance: Autosomal dominant, autosomal recessive and X linked inheritance.

Allele frequency attached by ClinVar (database versions not stated): ExAC 0.00002; gnomAD exomes 0.00002 and 0.00007; gnomAD 0.00005 and 0.00006; TOPMed 0.00005; ESP Exome Variant Server 0.00015.
gnomAD v4.1: 108 of 1,612,296 alleles (0.0067%); highest among the groups gnomAD compares: Non-Finnish European, 0.0081%; no homozygotes.

Submissions (8):

Broad Center for Mendelian Genomics, Broad Institute of MIT and Harvard
Classification: Uncertain significance for Usher syndrome type 1F. Last evaluated: 2025-05-01. Review status: criteria provided, single submitter. Criteria: ACMG Guidelines, 2015. Collection method: curation. Allele origin: germline. Inheritance: Autosomal recessive inheritance.
Comment: The p.Pro198= variant in PCDH15 has not been previously reported in the literature in individuals with Usher syndrome type 1F, but has been identified in 0.008% (95/1178902) of European (non-Finnish) chromosomes by the Genome Aggregation Database (gnomAD; dbSNP ID: rs368308772). Although this variant has been seen in the general population in a heterozygous state, its frequency is low enough to be consistent with a recessive carrier frequency. This variant has also been reported in ClinVar (VCV000300202.12) and has been interpreted as a variant of uncertain significance by multiple submitters, and likely pathogenic by Department of Clinical Genetics (Copenhagen University Hospital, Rigshospitalet). Computational prediction tools and conservation analyses suggest that this variant may impact the protein, though this information is not predictive enough to determine pathogenicity. In summary, the clinical significance of the p.Pro198= variant is uncertain. ACMG/AMP Criteria applied: PP3, PM2_supporting (Richards 2015).

Blueprint Genetics
Classification: Uncertain significance. Last evaluated: 2024-04-12. Review status: criteria provided, single submitter. Criteria: ACMG Guidelines, 2015. Collection method: clinical testing. Allele origin: germline.

Women's Health and Genetics/Laboratory Corporation of America, LabCorp
Classification: Uncertain significance. Last evaluated: 2022-12-28. Review status: criteria provided, single submitter. Criteria: LabCorp Variant Classification Summary - May 2015. Collection method: clinical testing. Allele origin: germline.
Comment: Variant summary: PCDH15 c.594G>A (p.Pro198Pro) alters a conserved nucleotide located close to a canonical splice site and therefore could affect mRNA splicing, leading to a significantly altered protein sequence. Several computational tools predict a significant impact on normal splicing: Two predict the variant abolishes a 5' splicing donor site. Two predict the variant weakens a 5' splicing donor site. However, these predictions have yet to be confirmed by functional studies. The variant allele was found at a frequency of 2.4e-05 in 251048 control chromosomes. The available data on variant occurrences in the general population are insufficient to allow any conclusion about variant significance. c.594G>A has been reported in the literature in a heterozygous individual affected with Retinitis Pigmentosa (Jespergaard_2019). This report does not provide unequivocal conclusions about association of the variant with Usher Syndrome Type 1F. To our knowledge, no experimental evidence demonstrating an impact on protein function has been reported. Four clinical diagnostic laboratories have submitted clinical-significance assessments for this variant to ClinVar after 2014 and classified it as VUS (n=3) and Likely Pathogenic (n=1). Based on the evidence outlined above, the variant was classified as uncertain significance.

Labcorp Genetics (formerly Invitae), Labcorp
Classification: Uncertain significance. Last evaluated: 2022-07-05. Review status: criteria provided, single submitter. Criteria: Invitae Variant Classification Sherloc (09022015). Collection method: clinical testing. Allele origin: germline.
Comment: This sequence change affects codon 198 of the PCDH15 mRNA. It is a 'silent' change, meaning that it does not change the encoded amino acid sequence of the PCDH15 protein. This variant also falls at the last nucleotide of exon 6, which is part of the consensus splice site for this exon. This variant is present in population databases (rs368308772, gnomAD 0.004%). This variant has not been reported in the literature in individuals affected with PCDH15-related conditions. ClinVar contains an entry for this variant (Variation ID: 300202). Variants that disrupt the consensus splice site are a relatively common cause of aberrant splicing (PMID: 17576681, 9536098). Algorithms developed to predict the effect of sequence changes on RNA splicing suggest that this variant may create or strengthen a splice site. In summary, the available evidence is currently insufficient to determine the role of this variant in disease. Therefore, it has been classified as a Variant of Uncertain Significance.

Fulgent Genetics
Classification: Uncertain significance for Usher syndrome type 1D; Usher syndrome type 1F; Autosomal recessive nonsyndromic hearing loss 23. Last evaluated: 2021-08-03. Review status: criteria provided, single submitter. Criteria: ACMG Guidelines, 2015. Collection method: clinical testing. Allele origin: unknown.

Illumina Laboratory Services, Illumina
Classification: Uncertain significance for Usher syndrome type 1. Last evaluated: 2018-01-13. Review status: criteria provided, single submitter. Criteria: ICSL Variant Classification Criteria 13 December 2019. Collection method: clinical testing. Allele origin: germline.

Natera, Inc.
Classification: Uncertain significance for Usher syndrome type 1F. Last evaluated: 2019-11-11. Review status: no assertion criteria provided. Collection method: clinical testing. Allele origin: germline. Not counted in ClinVar's aggregate classification.

Department of Clinical Genetics, Copenhagen University Hospital, Rigshospitalet
Classification: Likely pathogenic for Retinitis pigmentosa. Last evaluated: 2018-04-01. Review status: no assertion criteria provided. Collection method: research. Allele origin: unknown. Affected: yes. Study: VeluxRD. Not counted in ClinVar's aggregate classification.

Literature cited by the submitters: PubMed 30718709 (cited by Women's Health and Genetics/Laboratory Corporation of America, LabCorp and Department of Clinical Genetics, Copenhagen University Hospital, Rigshospitalet); PubMed 17576681 (cited by Labcorp Genetics (formerly Invitae), Labcorp); PubMed 9536098 (cited by Labcorp Genetics (formerly Invitae), Labcorp).

NM_001384140.1(PCDH15):c.594G>A (p.Pro198=)

Gene: PCDH15 (protocadherin related 15; minus strand). Cytogenetic location: 10q21.1.
Variant type: single nucleotide variant.
Coding change: c.594G>A on transcript NM_001384140.1 (MANE Select); coding-DNA position 594, G replaced by A.
Protein change: p.Pro198=; no amino-acid change (proline 198 retained).
Molecular consequence: synonymous variant.
Genome position (GRCh38, 1-based): chr10:54,346,365, C>T on the plus strand (G>A on the coding strand, the complement: PCDH15 is on the minus strand). VCF-style: chr10-54346365-C-T. GRCh37 (hg19) VCF-style: chr10-56106125-C-T.
Other names: NM_001384140.1(PCDH15):c.594G>A; p.Pro198=; c.609G>A, p.Pro203= (NM_001142763.2, NM_001142769.4, NM_001142771.2); c.594G>A, p.Pro198= (NM_001142764.2, NM_001142765.2, NM_001142766.2 and 8 more transcripts); c.528G>A, p.Pro176= (NM_001142768.2, NM_001142773.2, NM_001354404.2).
Identifiers: ClinVar variation 300202 (VCV000300202.14), dbSNP rs368308772, ClinGen allele CA5506658.